The following is an entry in ClinVar:

NM_033028.5(BBS4):c.640C>A (p.Gln214Lys)

Gene: BBS4 (Bardet-Biedl syndrome 4; plus strand). Cytogenetic location: 15q24.1.
Variant type: single nucleotide variant.
Coding change: c.640C>A on transcript NM_033028.5 (MANE Select); coding-DNA position 640, C replaced by A.
Protein change: p.Gln214Lys; replaces glutamine 214 with lysine.
Molecular consequence: missense variant. On other transcripts: non-coding transcript variant (2).
Genome position (GRCh38, 1-based): chr15:72,727,992, C>A. VCF-style: chr15-72727992-C-A. GRCh37 (hg19) VCF-style: chr15-73020333-C-A.
Other names: c.124C>A, p.Gln42Lys (NM_001252678.2); c.640C>A, p.Gln214Lys (NM_001320665.2); short protein forms Q214K, Q42K.
Identifiers: ClinVar variation 4990527 (VCV004990527.1).

ClinVar aggregate classification (germline): Uncertain significance (1 of 4 stars; one submission).

Conditions:
BBS4-related disorder. Also called: BBS4-related condition.

Submission:

PreventionGenetics, part of Exact Sciences
Classification: Uncertain significance for BBS4-related condition. Last evaluated: 2024-10-20. Review status: criteria provided, single submitter. Criteria: ACMG Guidelines, 2015. Collection method: clinical testing. Allele origin: germline.
Comment: The BBS4 c.640C>A variant is predicted to result in the amino acid substitution p.Gln214Lys. To our knowledge, this variant has not been reported in the literature or in a large population database (gnomAD), indicating this variant is rare. At this time, the clinical significance of this variant is uncertain due to the absence of conclusive functional and genetic evidence.